The following is an entry in ClinVar:

ClinVar aggregate classification (germline): Uncertain significance. Review status: criteria provided, multiple submitters, no conflicts (2 of 4 stars). 2 submissions from 2 submitters: Uncertain significance (2). Last evaluated 2025-04-05.

Conditions:
Hereditary cancer-predisposing syndrome. Also called: Neoplastic Syndromes, Hereditary; Tumor predisposition; Hereditary Cancer Syndrome; Hereditary neoplastic syndrome. Identifiers: Orphanet 140162, MedGen C0027672, MeSH D009386, MONDO:0015356.

Submissions (2):

Ambry Genetics
Classification: Uncertain significance for Hereditary cancer-predisposing syndrome. Last evaluated: 2025-04-05. Review status: criteria provided, single submitter. Criteria: Ambry Variant Classification Scheme 2023. Collection method: clinical testing. Allele origin: germline.
Comment: The p.K71E variant (also known as c.211A>G), located in coding exon 2 of the RAD50 gene, results from an A to G substitution at nucleotide position 211. The lysine at codon 71 is replaced by glutamic acid, an amino acid with similar properties. This amino acid position is highly conserved in available vertebrate species. In addition, this alteration is predicted to be tolerated by in silico analysis. Since supporting evidence is limited at this time, the clinical significance of this alteration remains unclear.

Labcorp Genetics (formerly Invitae), Labcorp
Classification: Uncertain significance for Hereditary cancer-predisposing syndrome. Last evaluated: 2018-12-06. Review status: criteria provided, single submitter. Criteria: Invitae Variant Classification Sherloc (09022015). Collection method: clinical testing. Allele origin: germline.
Comment: This sequence change replaces lysine with glutamic acid at codon 71 of the RAD50 protein (p.Lys71Glu). The lysine residue is highly conserved and there is a small physicochemical difference between lysine and glutamic acid. This variant is not present in population databases (ExAC no frequency). This variant has not been reported in the literature in individuals with RAD50-related disease. Algorithms developed to predict the effect of missense changes on protein structure and function are either unavailable or do not agree on the potential impact of this missense change (SIFT: "Tolerated"; PolyPhen-2: "Probably Damaging"; Align-GVGD: "Class C0"). In summary, the available evidence is currently insufficient to determine the role of this variant in disease. Therefore, it has been classified as a Variant of Uncertain Significance.

NM_005732.4(RAD50):c.211A>G (p.Lys71Glu)

Gene: RAD50 (RAD50 double strand break repair protein; plus strand). Cytogenetic location: 5q31.1.
Variant type: single nucleotide variant.
Coding change: c.211A>G on transcript NM_005732.4 (MANE Select); coding-DNA position 211, A replaced by G.
Protein change: p.Lys71Glu; replaces lysine 71 with glutamic acid.
Molecular consequence: missense variant.
Genome position (GRCh38, 1-based): chr5:132,559,365, A>G. VCF-style: chr5-132559365-A-G. GRCh37 (hg19) VCF-style: chr5-131895057-A-G.
Other names: short protein forms K71E.
Identifiers: ClinVar variation 652868 (VCV000652868.14), dbSNP rs1580976289, ClinGen allele CA360953845.